The following is an entry in ClinVar:

NM_021098.3(CACNA1H):c.489G>C (p.Gln163His)

Gene: CACNA1H (calcium voltage-gated channel subunit alpha1 H; plus strand). Cytogenetic location: 16p13.3.
Variant type: single nucleotide variant.
Coding change: c.489G>C on transcript NM_021098.3 (MANE Select); coding-DNA position 489, G replaced by C.
Protein change: p.Gln163His; replaces glutamine 163 with histidine.
Molecular consequence: missense variant.
Genome position (GRCh38, 1-based): chr16:1,195,509, G>C. VCF-style: chr16-1195509-G-C. GRCh37 (hg19) VCF-style: chr16-1245509-G-C.
Other names: p.Gln163His; c.489G>C, p.Gln163His (NM_001005407.2); short protein forms Q163H.
Identifiers: ClinVar variation 460131 (VCV000460131.18), dbSNP rs60593994, ClinGen allele CA7799444.

ClinVar aggregate classification (germline): Benign. Review status: criteria provided, multiple submitters, no conflicts (2 of 4 stars). 8 submissions from 8 submitters: Benign (6). 2 of the submissions do not count toward it. Last evaluated 2026-08-01.

Conditions:
Hyperaldosteronism, familial, type IV (HALD4). Also called: FH IV; ALDOSTERONISM, PRIMARY, AND HYPERTENSION. Identifiers: Orphanet 642671, MedGen C4310756, MONDO:0014875, OMIM 617027.
Idiopathic generalized epilepsy. Also called: Generalised epilepsy; EIG. Identifiers: MedGen C0270850, MONDO:0005579, OMIM 600669.
Epilepsy, childhood absence, susceptibility to, 6. Identifiers: Orphanet 64280, MedGen C2749872, MONDO:0012763, OMIM 611942.

Allele frequency attached by ClinVar (database versions not stated): ESP Exome Variant Server 0.00169; TOPMed 0.00264; gnomAD 0.00318 and 0.00363; 1000 Genomes Project 30x 0.00484; gnomAD exomes 0.00490; 1000 Genomes Project 0.00499; ExAC 0.00914.

Submissions (8):

CeGaT Center for Human Genetics Tuebingen
Classification: Benign. Last evaluated: 2026-08-01. Review status: criteria provided, single submitter. Criteria: CeGaT Center For Human Genetics Tuebingen Variant Classification Criteria Version 2. Collection method: clinical testing. Allele origin: germline. Affected: yes. Observed: 1 variant allele.
Comment: CACNA1H: BS1, BS2

Labcorp Genetics (formerly Invitae), Labcorp
Classification: Benign for Idiopathic generalized epilepsy; Hyperaldosteronism, familial, type IV. Last evaluated: 2026-01-26. Review status: criteria provided, single submitter. Criteria: Invitae Variant Classification Sherloc (09022015). Collection method: clinical testing. Allele origin: germline.

Mayo Clinic Laboratories, Mayo Clinic
Classification: Benign. Last evaluated: 2025-07-16. Review status: criteria provided, single submitter. Criteria: ACMG Guidelines, 2015. Collection method: clinical testing. Allele origin: germline. Observed: 1 variant allele.
Comment: BA1, BS2

GeneDx
Classification: Benign. Last evaluated: 2020-07-17. Review status: criteria provided, single submitter. Criteria: GeneDx Variant Classification Process June 2021. Collection method: clinical testing. Allele origin: germline. Affected: yes.
Comment: This variant is associated with the following publications: (PMID: 30686625, 32227660)

Athena Diagnostics
Classification: Benign. Last evaluated: 2018-11-05. Review status: criteria provided, single submitter. Criteria: Athena Diagnostics Criteria. Collection method: clinical testing. Allele origin: germline.

Breakthrough Genomics
Classification: Benign. Review status: criteria provided, single submitter. Criteria: ACMG Guidelines, 2015. Collection method: not provided. Allele origin: germline. Inheritance: Autosomal dominant inheritance. Affected: yes.

Diagnostic Laboratory, Department of Genetics, University Medical Center Groningen
Classification: Benign for Epilepsy, childhood absence, susceptibility to, 6. Review status: no assertion criteria provided. Collection method: clinical testing. Allele origin: germline. Affected: yes. Study: VKGL Data-share Consensus. Not counted in ClinVar's aggregate classification.

Genome Diagnostics Laboratory, University Medical Center Utrecht
Classification: Likely benign. Review status: no assertion criteria provided. Collection method: clinical testing. Allele origin: germline. Affected: yes. Study: VKGL Data-share Consensus. Not counted in ClinVar's aggregate classification.